The following is an entry in ClinVar:

NM_001287.6(CLCN7):c.761G>T (p.Gly254Val)

Gene: CLCN7 (chloride voltage-gated channel 7; minus strand). Cytogenetic location: 16p13.3.
Variant type: single nucleotide variant.
Coding change: c.761G>T on transcript NM_001287.6 (MANE Select); coding-DNA position 761, G replaced by T.
Protein change: p.Gly254Val; replaces glycine 254 with valine.
Molecular consequence: missense variant.
Genome position (GRCh38, 1-based): chr16:1,457,315, C>A on the plus strand (G>T on the coding strand, the complement: CLCN7 is on the minus strand). VCF-style: chr16-1457315-C-A. GRCh37 (hg19) VCF-style: chr16-1507316-C-A.
Other names: c.689G>T, p.Gly230Val (NM_001114331.3); short protein forms G230V, G254V.
Identifiers: ClinVar variation 1345964 (VCV001345964.8), dbSNP rs1251757740, ClinGen allele CA394191097.

ClinVar aggregate classification (germline): Uncertain significance (1 of 4 stars; one submission).

gnomAD v4.1: 3 of 1,613,982 alleles (0.00019%); highest among the groups gnomAD compares: Middle Eastern, 0.016%; no homozygotes.

Submission:

Labcorp Genetics (formerly Invitae), Labcorp
Classification: Uncertain significance. Last evaluated: 2022-09-13. Review status: criteria provided, single submitter. Criteria: Invitae Variant Classification Sherloc (09022015). Collection method: clinical testing. Allele origin: germline.
Comment: This sequence change replaces glycine, which is neutral and non-polar, with valine, which is neutral and non-polar, at codon 254 of the CLCN7 protein (p.Gly254Val). This variant is not present in population databases (gnomAD no frequency). This variant has not been reported in the literature in individuals affected with CLCN7-related conditions. ClinVar contains an entry for this variant (Variation ID: 1345964). Advanced modeling of protein sequence and biophysical properties (such as structural, functional, and spatial information, amino acid conservation, physicochemical variation, residue mobility, and thermodynamic stability) performed at Invitae indicates that this missense variant is expected to disrupt CLCN7 protein function. In summary, the available evidence is currently insufficient to determine the role of this variant in disease. Therefore, it has been classified as a Variant of Uncertain Significance.